The following is an entry in ClinVar:

ClinVar aggregate classification (germline): Uncertain significance. Review status: criteria provided, multiple submitters, no conflicts (2 of 4 stars). 2 submissions from 2 submitters: Uncertain significance (2). Last evaluated 2025-08-01.

Conditions:
Gastrointestinal stromal tumor. Also called: Gastrointestinal stroma tumor; Gastrointestinal stromal tumor, somatic. Identifiers: Orphanet 44890, MedGen C0238198, MeSH D046152, MONDO:0011719, OMIM 606764, HP:0100723.
Hereditary cancer-predisposing syndrome. Also called: Tumor predisposition; Hereditary Cancer Syndrome; Hereditary neoplastic syndrome; Neoplastic Syndromes, Hereditary. Identifiers: Orphanet 140162, MedGen C0027672, MeSH D009386, MONDO:0015356.

Submissions (2):

Ambry Genetics
Classification: Uncertain significance for Hereditary cancer-predisposing syndrome. Last evaluated: 2025-08-01. Review status: criteria provided, single submitter. Criteria: Ambry Variant Classification Scheme 2023. Collection method: clinical testing. Allele origin: germline.
Comment: The c.759G>T variant (also known as p.V253V), located in coding exon 4 of the PDGFRA gene, results from a G to T substitution at nucleotide position 759. This nucleotide substitution does not change the valine at codon 253. However, this change occurs in the last base pair of coding exon 4, which makes it likely to have some effect on normal mRNA splicing. This nucleotide position is highly conserved in available vertebrate species. In silico splice site analysis predicts that this alteration will weaken the native splice donor site. However, loss of function of PDGFRA has not been established as a mechanism of disease. Based on the available evidence, the clinical significance of this alteration remains unclear.

Labcorp Genetics (formerly Invitae), Labcorp
Classification: Uncertain significance for Gastrointestinal stromal tumor. Last evaluated: 2021-10-31. Review status: criteria provided, single submitter. Criteria: Invitae Variant Classification Sherloc (09022015). Collection method: clinical testing. Allele origin: germline.
Comment: In summary, the available evidence is currently insufficient to determine the role of this variant in disease. Therefore, it has been classified as a Variant of Uncertain Significance. Variants that disrupt the consensus splice site are a relatively common cause of aberrant splicing (PMID: 17576681, 9536098). Algorithms developed to predict the effect of sequence changes on RNA splicing suggest that this variant may disrupt the consensus splice site. This variant has not been reported in the literature in individuals affected with PDGFRA-related conditions. This variant is not present in population databases (gnomAD no frequency). This sequence change affects codon 253 of the PDGFRA mRNA. It is a 'silent' change, meaning that it does not change the encoded amino acid sequence of the PDGFRA protein. This variant also falls at the last nucleotide of exon 5, which is part of the consensus splice site for this exon.

Literature cited by the submitters: PubMed 17576681 (cited by Labcorp Genetics (formerly Invitae), Labcorp); PubMed 9536098 (cited by Labcorp Genetics (formerly Invitae), Labcorp).

NM_006206.6(PDGFRA):c.759G>T (p.Val253=)

Gene: PDGFRA (platelet derived growth factor receptor alpha; plus strand). Cytogenetic location: 4q12.
Variant type: single nucleotide variant.
Coding change: c.759G>T on transcript NM_006206.6 (MANE Select); coding-DNA position 759, G replaced by T.
Protein change: p.Val253=; no amino-acid change (valine 253 retained).
Molecular consequence: synonymous variant.
Genome position (GRCh38, 1-based): chr4:54,265,049, G>T. VCF-style: chr4-54265049-G-T. GRCh37 (hg19) VCF-style: chr4-55131216-G-T.
Other names: c.759G>T (NM_006206.4); c.759G>T, p.Val253= (NM_001347827.2, NM_001347829.2); c.834G>T, p.Val278= (NM_001347828.2); c.798G>T, p.Val266= (NM_001347830.2).
Identifiers: ClinVar variation 1362977 (VCV001362977.7), dbSNP rs2110258769, ClinGen allele CA439285950.